The following is an entry in ClinVar:

ClinVar aggregate classification (germline): Uncertain significance (1 of 4 stars; one submission).

Conditions:
Familial adenomatous polyposis 1 (FAP1). Also called: POLYPOSIS, ADENOMATOUS INTESTINAL; FAMILIAL ADENOMATOUS POLYPOSIS 1, ATTENUATED. Identifiers: MedGen C2713442, MONDO:0021056, OMIM 175100. Disease mechanism: loss of function.

Submission:

Labcorp Genetics (formerly Invitae), Labcorp
Classification: Uncertain significance for Familial adenomatous polyposis 1. Last evaluated: 2023-04-11. Review status: criteria provided, single submitter. Criteria: Invitae Variant Classification Sherloc (09022015). Collection method: clinical testing. Allele origin: germline.
Comment: This variant occurs in a non-coding region of the APC gene. It does not change the encoded amino acid sequence of the APC protein. This variant is not present in population databases (gnomAD no frequency). This variant has not been reported in the literature in individuals affected with APC-related conditions. Experimental studies and prediction algorithms are not available or were not evaluated, and the functional significance of this variant is currently unknown. In summary, the available evidence is currently insufficient to determine the role of this variant in disease. Therefore, it has been classified as a Variant of Uncertain Significance.

NC_000005.10:g.112707350C>G

Gene: APC (APC regulator of Wnt signaling pathway; plus strand). Cytogenetic location: 5q22.2.
Variant type: single nucleotide variant.
Genome position: GRCh38 VCF-style: chr5-112707350-C-G. GRCh37 (hg19) VCF-style: chr5-112043047-C-G.
Identifiers: ClinVar variation 2827427 (VCV002827427.3), dbSNP rs1750550790, ClinGen allele CA2674863396.